The following is an entry in ClinVar:

NM_000069.3(CACNA1S):c.3909C>T (p.Asn1303=)

Gene: CACNA1S (calcium voltage-gated channel subunit alpha1 S; minus strand). Cytogenetic location: 1q32.1.
Variant type: single nucleotide variant.
Coding change: c.3909C>T on transcript NM_000069.3 (MANE Select); coding-DNA position 3909, C replaced by T.
Protein change: p.Asn1303=; no amino-acid change (asparagine 1303 retained).
Molecular consequence: synonymous variant.
Genome position (GRCh38, 1-based): chr1:201,052,601, G>A on the plus strand (C>T on the coding strand, the complement: CACNA1S is on the minus strand). VCF-style: chr1-201052601-G-A. GRCh37 (hg19) VCF-style: chr1-201021729-G-A.
Identifiers: ClinVar variation 3070514 (VCV003070514.1), dbSNP rs2464454250, ClinGen allele CA422719400.

ClinVar aggregate classification (germline): Likely benign (1 of 4 stars; one submission).

Conditions:
Malignant hyperthermia, susceptibility to, 5 (MHS5). Also called: CACNA1S-Related Malignant Hyperthermia Susceptibility. Identifiers: Orphanet 423, MedGen C1866077, MONDO:0011163, OMIM 601887.

Allele frequency attached by ClinVar (database versions not stated): gnomAD exomes below 0.00001.
gnomAD v4.1: 2 of 1,613,986 alleles (0.00012%); highest among the groups gnomAD compares: Non-Finnish European, 0.00017%; no homozygotes.

Submission:

All of Us Research Program, National Institutes of Health
Classification: Likely benign for Malignant hyperthermia, susceptibility to, 5. Last evaluated: 2023-04-24. Review status: criteria provided, single submitter. Criteria: ACMG Guidelines, 2015. Collection method: clinical testing. Allele origin: germline. Inheritance: Autosomal dominant inheritance. Observed: 1 variant allele, 1 heterozygote.
Comment: This study involves interpretation of variants in research participants for the purpose of population health screening. Participant phenotype was not available at the time of variant classification. Additional details can be found in publication PMID: 35346344, PMCID: PMC8962531